The following is an entry in ClinVar:

ClinVar aggregate classification (germline): Uncertain significance (1 of 4 stars; one submission).

gnomAD v4.1: 5 of 1,612,442 alleles (0.00031%); highest among the groups gnomAD compares: Admixed American, 0.0033%; no homozygotes.

Submission:

GeneDx
Classification: Uncertain significance. Last evaluated: 2023-11-14. Review status: criteria provided, single submitter. Criteria: GeneDx Variant Classification Process June 2021. Collection method: clinical testing. Allele origin: germline. Affected: yes.
Comment: Not observed at significant frequency in large population cohorts (gnomAD); In silico analysis supports that this missense variant has a deleterious effect on protein structure/function; Has not been previously published as pathogenic or benign to our knowledge

NM_004447.6(EPS8):c.2321A>G (p.Tyr774Cys)

Gene: EPS8 (EGFR pathway substrate 8, signaling adaptor; minus strand). Cytogenetic location: 12p12.3.
Variant type: single nucleotide variant.
Coding change: c.2321A>G on transcript NM_004447.6 (MANE Select); coding-DNA position 2321, A replaced by G.
Protein change: p.Tyr774Cys; replaces tyrosine 774 with cysteine.
Molecular consequence: missense variant. On other transcripts: non-coding transcript variant (3).
Genome position (GRCh38, 1-based): chr12:15,623,192, T>C on the plus strand (A>G on the coding strand, the complement: EPS8 is on the minus strand). VCF-style: chr12-15623192-T-C. GRCh37 (hg19) VCF-style: chr12-15776126-T-C.
Other names: c.2357A>G, p.Tyr786Cys (NM_001413831.1); c.2321A>G, p.Tyr774Cys (NM_001413832.1, NM_001413833.1, NM_001413834.1); c.2081A>G, p.Tyr694Cys (NM_001413835.1, NM_001413836.1); c.1904A>G, p.Tyr635Cys (NM_001413837.1); c.1541A>G, p.Tyr514Cys (NM_001413838.1); short protein forms Y514C, Y635C, Y694C, Y774C, Y786C.
Identifiers: ClinVar variation 3342633 (VCV003342633.1).
Genomic context (GRCh38, chr12:15,623,192, plus strand): 5'-CACCACCTTAGGTTGACAAGTCATACCTCCAATGCAGCTTTTTGTACAGTGATTTGGCTA[T>C]AGACTCTCGCCCCTTCAGGGCAGACTGTCCTCAGTTCATCCTTATTGAGAGAGAAAAGTT-3'
Protein context (NP_004438.3, residues 764-784): RTVCPEGARV[Tyr774Cys]SQITVQKAAL